The following is an entry in ClinVar:

NM_000742.4(CHRNA2):c.259C>T (p.Arg87Cys)

Gene: CHRNA2 (cholinergic receptor nicotinic alpha 2 subunit; minus strand). Cytogenetic location: 8p21.2.
Variant type: single nucleotide variant.
Coding change: c.259C>T on transcript NM_000742.4 (MANE Select); coding-DNA position 259, C replaced by T.
Protein change: p.Arg87Cys; replaces arginine 87 with cysteine.
Molecular consequence: missense variant. On other transcripts: 5 prime UTR variant (2), intron variant (3).
Genome position (GRCh38, 1-based): chr8:27,469,796, G>A on the plus strand (C>T on the coding strand, the complement: CHRNA2 is on the minus strand). VCF-style: chr8-27469796-G-A. GRCh37 (hg19) VCF-style: chr8-27327313-G-A.
Other names: c.-214C>T (NM_001347706.2); c.-203C>T (NM_001347708.2); c.-179+10C>T (NM_001347705.2); c.249+10C>T (NM_001282455.2); c.-165+10C>T (NM_001347707.2); short protein forms R87C.
Identifiers: ClinVar variation 421448 (VCV000421448.3), dbSNP rs778191765, ClinGen allele CA4689749.

ClinVar aggregate classification (germline): Conflicting classifications of pathogenicity. Review status: criteria provided, conflicting classifications (1 of 4 stars). 2 submissions from 2 submitters: Uncertain significance (1); Likely benign (1). Last evaluated 2025-06-02.

Conditions:
Familial sleep-related hypermotor epilepsy. Also called: Autosomal Dominant Sleep-Related Hypermotor (Hyperkinetic) Epilepsy. Identifiers: Orphanet 98784, MedGen C3696898, MONDO:0000030.

Allele frequency attached by ClinVar (database versions not stated): gnomAD 0.00002; gnomAD exomes 0.00002 and 0.00001; TOPMed 0.00002; ExAC 0.00002.

Submissions (2):

Labcorp Genetics (formerly Invitae), Labcorp
Classification: Likely benign. Last evaluated: 2025-06-02. Review status: criteria provided, single submitter. Criteria: Invitae Variant Classification Sherloc (09022015). Collection method: clinical testing. Allele origin: germline.

GeneDx
Classification: Uncertain significance. Last evaluated: 2016-06-17. Review status: criteria provided, single submitter. Criteria: GeneDx Variant Classification (06012015). Collection method: clinical testing. Allele origin: germline. Affected: yes.
Comment: A variant of uncertain significance has been identified in the CHRNA2 gene. The R87C variant has not been published as a pathogenic variant, nor has it been reported as a benign variant to our knowledge. It was not observed in approximately 6,500 individuals of European and African American ancestry in the NHLBI Exome Sequencing Project, indicating it is not a common benign variant in these populations. The R87C variant is a non-conservative amino acid substitution, which is likely to impact secondary protein structure as these residues differ in polarity, charge, size and/or other properties. This substitution occurs at a position where amino acids with similar properties to Arginine are tolerated across species. However, in silico analysis is inconsistent in its predictions as to whether or not the variant is damaging to the protein structure/function. Additionally, this amino acid substitution is not predicted to occur within the transmembrane region of the protein, where the vast majority of pathogenic missense variants have been identified in association with epilepsy (Steinlein et al., 2010). Therefore, based on the currently available information, it is unclear whether this variant is a pathogenic variant or a rare benign variant.